The following is an entry in ClinVar:

NM_015667.2(SPATA31A7):c.933G>A (p.Gln311=)

Gene: SPATA31A7 (SPATA31 subfamily A member 7; plus strand). Cytogenetic location: 9q12.
Variant type: single nucleotide variant.
Coding change: c.933G>A on transcript NM_015667.2 (MANE Select); coding-DNA position 933, G replaced by A.
Protein change: p.Gln311=; no amino-acid change (glutamine 311 retained).
Molecular consequence: synonymous variant.
Genome position (GRCh38, 1-based): chr9:61,193,019, G>A. VCF-style: chr9-61193019-G-A. GRCh37 (hg19) VCF-style: chr9-65506627-C-T.
Identifiers: ClinVar variation 2659226 (VCV002659226.24), dbSNP rs200400622, ClinGen allele CA5069093.

ClinVar aggregate classification (germline): Likely benign (1 of 4 stars; one submission).

Submission:

CeGaT Center for Human Genetics Tuebingen
Classification: Likely benign. Last evaluated: 2023-01-01. Review status: criteria provided, single submitter. Criteria: CeGaT Center For Human Genetics Tuebingen Variant Classification Criteria Version 2. Collection method: clinical testing. Allele origin: germline. Affected: yes. Observed: 2 variant alleles.
Comment: SPATA31A7: BP4, BP7